The following is an entry in ClinVar:

NM_000548.5(TSC2):c.4573C>G (p.Gln1525Glu)

Gene: TSC2 (TSC complex subunit 2; plus strand). Cytogenetic location: 16p13.3.
Variant type: single nucleotide variant.
Coding change: c.4573C>G on transcript NM_000548.5 (MANE Select); coding-DNA position 4573, C replaced by G.
Protein change: p.Gln1525Glu; replaces glutamine 1525 with glutamic acid.
Molecular consequence: missense variant.
Genome position (GRCh38, 1-based): chr16:2,085,233, C>G. VCF-style: chr16-2085233-C-G. GRCh37 (hg19) VCF-style: chr16-2135234-C-G.
Other names: c.4372C>G, p.Gln1458Glu (NM_001077183.3); c.4504C>G, p.Gln1502Glu (NM_001114382.3); c.4264C>G, p.Gln1422Glu (NM_001318827.2); c.4228C>G, p.Gln1410Glu (NM_001318829.2); c.3841C>G, p.Gln1281Glu (NM_001318831.2); c.4405C>G, p.Gln1469Glu (NM_001318832.2); c.4375C>G, p.Gln1459Glu (NM_001363528.2); c.4441C>G, p.Gln1481Glu (NM_001370404.1); and 1 more; short protein forms Q1458E, Q1481E, Q1502E, Q1459E, Q1482E, Q1525E, Q1281E, Q1410E.
Identifiers: ClinVar variation 663392 (VCV000663392.15), dbSNP rs45517352, ClinGen allele CA394304316.

ClinVar aggregate classification (germline): Conflicting classifications of pathogenicity. Review status: criteria provided, conflicting classifications (1 of 4 stars). 7 submissions from 7 submitters: Uncertain significance (6); Benign (1). Last evaluated 2026-02-11.

Conditions:
Isolated focal cortical dysplasia type II (FCORD2). Also called: CORTICAL DYSPLASIA OF TAYLOR; Focal cortical dysplasia type II. Identifiers: Orphanet 268994, MedGen C1846385, MONDO:0011818, OMIM 607341, HP:0032051.
Lymphangiomyomatosis (LAM). Also called: Lymphangioleiomyomatosis; Lymphangioleiomyomatosis, somatic. Identifiers: Orphanet 538, MedGen C0751674, MONDO:0011705, OMIM 606690.
Tuberous sclerosis 2 (TSC2). Identifiers: Orphanet 805, MedGen C1860707, MONDO:0013199, OMIM 613254.
Hereditary cancer-predisposing syndrome. Also called: Neoplastic Syndromes, Hereditary; Hereditary neoplastic syndrome; Tumor predisposition; Hereditary Cancer Syndrome. Identifiers: Orphanet 140162, MedGen C0027672, MeSH D009386, MONDO:0015356.

Allele frequency attached by ClinVar (database versions not stated): gnomAD exomes 0.00001.
gnomAD v4.1: 3 of 1,612,734 alleles (0.00019%); highest among the groups gnomAD compares: Non-Finnish European, 0.00025%; no homozygotes.

Submissions (7):

St. Jude Molecular Pathology, St. Jude Children's Research Hospital
Classification: Uncertain significance for Tuberous sclerosis 2. Last evaluated: 2026-02-11. Review status: criteria provided, single submitter. Criteria: St. Jude Assertion Criteria 2020. Collection method: clinical testing. Allele origin: germline.
Comment: The TSC2 c.4573C>G p.(Gln1525Glu) missense change has a maximum subpopulation frequency of 0.0009% in gnomAD v2.1.1. The in silico tool REVEL is inconclusive about a pathogenic or benign effect of this variant on protein function, and to our knowledge functional studies have not been performed. To our knowledge, this variant has not been reported in individuals with tuberous sclerosis complex. In summary, the evidence currently available is insufficient to determine the clinical significance of this variant. It has therefore been classified as of uncertain significance.

Labcorp Genetics (formerly Invitae), Labcorp
Classification: Benign for Tuberous sclerosis 2. Last evaluated: 2025-07-03. Review status: criteria provided, single submitter. Criteria: Invitae Variant Classification Sherloc (09022015). Collection method: clinical testing. Allele origin: germline.

Ambry Genetics
Classification: Uncertain significance for Hereditary cancer-predisposing syndrome. Last evaluated: 2025-01-07. Review status: criteria provided, single submitter. Criteria: Ambry Variant Classification Scheme 2023. Collection method: clinical testing. Allele origin: germline.
Comment: The p.Q1525E variant (also known as c.4573C>G), located in coding exon 35 of the TSC2 gene, results from a C to G substitution at nucleotide position 4573. The glutamine at codon 1525 is replaced by glutamic acid, an amino acid with highly similar properties. This amino acid position is highly conserved in available vertebrate species. In addition, the in silico prediction for this alteration is inconclusive. Based on the available evidence, the clinical significance of this variant remains unclear.

GeneDx
Classification: Uncertain significance. Last evaluated: 2022-10-12. Review status: criteria provided, single submitter. Criteria: GeneDx Variant Classification Process June 2021. Collection method: clinical testing. Allele origin: germline. Affected: yes.
Comment: Not observed at significant frequency in large population cohorts (gnomAD); In silico analysis supports a deleterious effect on splicing; In silico analysis supports that this missense variant does not alter protein structure/function; Has not been previously published as pathogenic or benign to our knowledge

Genome-Nilou Lab
Classification: Uncertain significance for Tuberous sclerosis 2. Last evaluated: 2021-11-07. Review status: criteria provided, single submitter. Criteria: ACMG Guidelines, 2015. Collection method: clinical testing. Allele origin: germline. Affected: no.

Fulgent Genetics
Classification: Uncertain significance for Lymphangiomyomatosis; Isolated focal cortical dysplasia type II; Tuberous sclerosis 2. Last evaluated: 2021-11-01. Review status: criteria provided, single submitter. Criteria: ACMG Guidelines, 2015. Collection method: clinical testing. Allele origin: unknown.

New York Genome Center
Classification: Uncertain significance for Tuberous sclerosis 2. Last evaluated: 2020-11-04. Review status: criteria provided, single submitter. Criteria: NYGC Assertion Criteria 2020. Collection method: clinical testing. Allele origin: inherited. Observed: 1 heterozygote. Study: CSER-NYCKidSeq.